The following is an entry in ClinVar:

NM_001009944.3(PKD1):c.11379del (p.Thr3794fs)

Genes: PKD1 (polycystin 1, transient receptor potential channel interacting; minus strand), PKD1-AS1 (PKD1 antisense RNA 1; plus strand). Cytogenetic location: 16p13.3.
Variant type: Deletion.
Coding change: c.11379del on transcript NM_001009944.3 (MANE Select); coding-DNA position 11379, one base deleted (G; older notation c.11379delG).
Protein change: p.Thr3794fs; shifts the reading frame from threonine 3794.
Molecular consequence: frameshift variant.
Genome position (GRCh38, 1-based): chr16:2,092,079, C deleted on the plus strand (G on the coding strand, the reverse complement: PKD1 is on the minus strand); the first of 4 consecutive C bases (chr16:2,092,079-2,092,082); deleting any one gives the same sequence. VCF-style (leftmost placement, unchanged base first): chr16-2092078-TC-T. GRCh37 (hg19) VCF-style: chr16-2142079-TC-T.
Other names: c.11379delG (NM_001009944.3, NM_001009944.2); c.11376del, p.Thr3793fs (NM_000296.4); short protein forms T3793fs, T3794fs.
Identifiers: ClinVar variation 562287 (VCV000562287.23), dbSNP rs1567153758, ClinGen allele CA658824279.

ClinVar aggregate classification (germline): Pathogenic. Review status: criteria provided, multiple submitters, no conflicts (2 of 4 stars). 11 submissions from 11 submitters: Pathogenic (10). 1 of the submissions does not count toward it. Last evaluated 2026-08-27.

Conditions:
Autosomal dominant polycystic kidney disease. Identifiers: Orphanet 730, MedGen C0085413, MONDO:0004691.
Cystic renal disease.
PKD1-related disorder. Also called: PKD1-related condition.
Polycystic kidney disease, adult type (PKD1). Also called: Polycystic Kidney, Autosomal Dominant; Polycystic Kidney Disease 1, Autosomal Dominant; Polycystic kidney disease 1; Polycystic kidney disease 1, severe; POLYCYSTIC KIDNEY DISEASE, ADULT, TYPE I; POLYCYSTIC KIDNEY DISEASE 1 WITH OR WITHOUT POLYCYSTIC LIVER DISEASE. Identifiers: MedGen C3149841, MONDO:0008263, OMIM 173900.

Submissions (11):

GeneDx
Classification: Pathogenic. Last evaluated: 2026-08-27. Review status: criteria provided, single submitter. Criteria: GeneDx Variant Classification Process June 2021. Collection method: clinical testing. Allele origin: germline.
Comment: Not observed at significant frequency in large population cohorts (gnomAD); Frameshift variant predicted to result in protein truncation or nonsense mediated decay in a gene for which loss of function is a known mechanism of disease; This variant is associated with the following publications: (PMID: 22508176, 17574468, 39951171, 31874800, 10923038, 38527221, 22383692, 30586318)

Victorian Clinical Genetics Services, Murdoch Childrens Research Institute
Classification: Pathogenic for Polycystic kidney disease, adult type. Last evaluated: 2026-05-05. Review status: criteria provided, single submitter. Criteria: ACMG Guidelines, 2015. Collection method: clinical testing. Allele origin: germline. Affected: yes.
Comment: This variant is classified as Pathogenic. Evidence in support of pathogenic classification: Variant is predicted to cause nonsense-mediated decay (NMD) and loss of protein (premature termination codon is located at least 54 nucleotides upstream of the final exon-exon junction); Variant is absent from gnomAD (v2, v3 and v4); This variant has strong previous evidence of pathogenicity in unrelated individuals. This variant has been classified as pathogenic by clinical laboratories in ClinVar; Other NMD-predicted variant(s) comparable to the one identified in this case have very strong previous evidence for pathogenicity (DECIPHER). Additional information: This variant is heterozygous; This gene is associated with autosomal dominant disease. Polycystic kidney disease 1 (MIM#173900) is predominantly caused by monoallelic variants, with rare reports of biallelic variants causing disease (OMIM); Loss of function is a known mechanism of disease in this gene and is associated with polycystic kidney disease 1 (MIM#173900); Inheritance information for this variant is not currently available in this individual.

Women's Health and Genetics/Laboratory Corporation of America, LabCorp
Classification: Pathogenic for Polycystic kidney disease, adult type. Last evaluated: 2025-10-20. Review status: criteria provided, single submitter. Criteria: LabCorp Variant Classification Summary - May 2015. Collection method: clinical testing. Allele origin: germline.
Comment: Variant summary: PKD1 c.11379delG (p.Thr3794ArgfsX32) results in a premature termination codon, predicted to cause absence of the protein due to nonsense mediated decay, which is a commonly known mechanism for disease. The variant was absent in 249314 control chromosomes (gnomAD). c.11379delG has been observed in individuals affected with Polycystic Kidney Disease 1 (e.g., Rafiee_2025). The following publication has been ascertained in the context of this evaluation (PMID: 39951171). ClinVar contains an entry for this variant (Variation ID: 562287). Based on the evidence outlined above, the variant was classified as pathogenic.

Genetics Laboratory, Great Ormond Street Hospital NHS Foundation Trust, North Thames Genomic Laboratory Hub
Classification: Pathogenic for Cystic renal disease. Last evaluated: 2025-10-05. Review status: criteria provided, single submitter. Criteria: ACGS Best Practice Guidelines for Variant Classification in Rare Disease 2024 v1.2. Collection method: clinical testing. Allele origin: germline. Affected: yes.
Comment: PS4_moderate, PM2_moderate, PVS1_very-strong, PM6_moderate

PreventionGenetics, part of Exact Sciences
Classification: Pathogenic for PKD1-related condition. Last evaluated: 2024-10-16. Review status: criteria provided, single submitter. Criteria: ACMG Guidelines, 2015. Collection method: clinical testing. Allele origin: germline.
Comment: The PKD1 c.11379delG variant is predicted to result in a frameshift and premature protein termination (p.Thr3794Argfs*32). This variant has been reported to be pathogenic for autosomal dominant polycystic kidney disease (Bogdanova et al. 2000. PubMed ID: 10923038; Table S7, Groopman et al. 2018. PubMed ID: 30586318; Hopp et al. 2019. PubMed ID: 31874800). This variant has not been reported in a large population database (gnomAD), indicating this variant is rare. Frameshift variants in PKD1 are expected to be pathogenic. This variant is interpreted as pathogenic.

Fulgent Genetics
Classification: Pathogenic for Polycystic kidney disease, adult type. Last evaluated: 2024-05-06. Review status: criteria provided, single submitter. Criteria: ACMG Guidelines, 2015. Collection method: clinical testing. Allele origin: germline.

Blueprint Genetics
Classification: Pathogenic for PKD1-related disorders. Last evaluated: 2024-02-08. Review status: criteria provided, single submitter. Criteria: ACMG Guidelines, 2015. Collection method: clinical testing. Allele origin: germline. Affected: yes. Observed: 1 variant allele.

Department of Pathology and Laboratory Medicine, Sinai Health System
Classification: Pathogenic for autosomal dominant polycystic kidney disease. Last evaluated: 2021-03-12. Review status: criteria provided, single submitter. Criteria: ACMG Guidelines, 2015. Collection method: clinical testing. Allele origin: germline.

ARUP Laboratories, Molecular Genetics and Genomics, ARUP Laboratories
Classification: Pathogenic for Polycystic kidney disease, adult type. Last evaluated: 2019-05-16. Review status: criteria provided, single submitter. Criteria: ARUP Molecular Germline Variant Investigation Process. Collection method: clinical testing. Allele origin: germline.
Comment: The PKD1 c.11379delG; p.Thr3794fs variant, also called c.11587delG using alternative nomenclature, is reported in the literature in multiple individuals affected with autosomal dominant polycystic kidney disease (Audrezet 2012, Bogdanova 2000, Garcia-Gonzalez 2007, Rossetti 2012) and has been reported to segregate with disease in at least one family (Bogdanova 2000). This variant is absent from general population databases (Exome Variant Server, Genome Aggregation Database), indicating it is not a common polymorphism. This variant causes a frameshift by deleting a single nucleotide, so it is predicted to result in a truncated protein or mRNA subject to nonsense-mediated decay. Based on available information, this variant is considered to be pathogenic. References: Audrezet MP et al. Autosomal dominant polycystic kidney disease: comprehensive mutation analysis of PKD1 and PKD2 in 700 unrelated patients. Hum Mutat. 2012 Aug;33(8):1239-50. Bogdanova N et al. Screening the 3' region of the polycystic kidney disease 1 (PKD1) gene in 41 Bulgarian and Australian kindreds reveals a prevalence of protein truncating mutations. Hum Mutat. 2000;16(2):166-74. Garcia-Gonzalez MA et al. Evaluating the clinical utility of a molecular genetic test for polycystic kidney disease. Mol Genet Metab. 2007 Sep-Oct;92(1-2):160-7. Rossetti S et al. Identification of gene mutations in autosomal dominant polycystic kidney disease through targeted resequencing. J Am Soc Nephrol. 2012 May;23(5):915-33.

Juno Genomics, Hangzhou Juno Genomics, Inc
Classification: Pathogenic for Polycystic kidney disease, adult type. Review status: criteria provided, single submitter. Criteria: ACMG Guidelines, 2015. Collection method: clinical testing. Allele origin: germline. Affected: yes.
Comment: Absent from controls (or at extremely low frequency if recessive) in Genome Aggregation Database, Exome Sequencing Project, 1000 Genomes Project, or Exome Aggregation Consortium.;Null variant in a gene where loss of function (LOF) is a known mechanism of disease.;The prevalence of the variant in affected individuals is significantly increased compared to the prevalence in controls.;Patient's phenotype or family history is highly specific for a disease with a single genetic etiology.

Gharavi Laboratory, Columbia University
Classification: Pathogenic. Last evaluated: 2018-09-16. Review status: no assertion criteria provided. Criteria: ACMG Guidelines, 2015. Collection method: research. Allele origin: germline. Affected: yes. Not counted in ClinVar's aggregate classification.

Literature cited by the submitters: PubMed 39951171 (cited by Women's Health and Genetics/Laboratory Corporation of America, LabCorp); PubMed 22508176 (cited by Department of Pathology and Laboratory Medicine, Sinai Health System); PubMed 10923038 (cited by Department of Pathology and Laboratory Medicine, Sinai Health System); PubMed 17574468 (cited by Department of Pathology and Laboratory Medicine, Sinai Health System); PubMed 22383692 (cited by Department of Pathology and Laboratory Medicine, Sinai Health System).